The following is an entry in ClinVar:

NM_000543.5(SMPD1):c.1763C>A (p.Thr588Lys)

Gene: SMPD1 (sphingomyelin phosphodiesterase 1; plus strand). Cytogenetic location: 11p15.4.
Variant type: single nucleotide variant.
Coding change: c.1763C>A on transcript NM_000543.5 (MANE Select); coding-DNA position 1763, C replaced by A.
Protein change: p.Thr588Lys; replaces threonine 588 with lysine.
Molecular consequence: missense variant. On other transcripts: non-coding transcript variant (2), 3 prime UTR variant (1).
Genome position (GRCh38, 1-based): chr11:6,394,474, C>A. VCF-style: chr11-6394474-C-A. GRCh37 (hg19) VCF-style: chr11-6415704-C-A.
Other names: c.1631C>A, p.Thr544Lys (NM_001365135.2); c.1763C>A (NM_000543.4); c.1760C>A, p.Thr587Lys (NM_001007593.3); c.*256C>A (NM_001318087.2); c.842C>A, p.Thr281Lys (NM_001318088.2); short protein forms T588K, T544K, T587K, T281K.
Identifiers: ClinVar variation 2084008 (VCV002084008.2), dbSNP rs35785620, ClinGen allele CA5852984.
Genomic context (GRCh38, chr11:6,394,474, plus strand): 5'-TTTTCCAGACCTTCTGGTTTCTCTACCATAAGGGCCACCCACCCTCGGAGCCCTGTGGCA[C>A]GCCCTGCCGTCTGGCTACTCTTTGTGCCCAGCTCTCTGCCCGTGCTGACAGCCCTGCTCT-3'
Protein context (NP_000534.3, residues 578-598): KGHPPSEPCG[Thr588Lys]PCRLATLCAQ

ClinVar aggregate classification (germline): Uncertain significance. Review status: criteria provided, multiple submitters, no conflicts (2 of 4 stars). 2 submissions from 2 submitters: Uncertain significance (2). Last evaluated 2026-07-29.

Conditions:
Niemann-Pick disease, type A. Also called: Infantile Neurovisceral ASMD (Niemann-Pick Disease Type A; NPD-A); SPHINGOMYELIN LIPIDOSIS; SPHINGOMYELINASE DEFICIENCY. Identifiers: Orphanet 77292, MedGen C0268242, MONDO:0009756, OMIM 257200. Disease mechanism: loss of function.
Niemann-Pick disease, type B. Also called: Chronic Visceral ASMD (Niemann-Pick Disease Type B; NPD-B). Identifiers: Orphanet 77293, MedGen C0268243, MONDO:0011871, OMIM 607616. Disease mechanism: loss of function.
SMPD1-related disorder. Also called: SMPD1-related condition.

Allele frequency attached by ClinVar (database versions not stated): 1000 Genomes Project 30x 0.00016.
gnomAD v4.1: 18 of 1,614,034 alleles (0.0011%); highest among the groups gnomAD compares: Admixed American, 0.027%; no homozygotes.

Submissions (2):

PreventionGenetics, part of Exact Sciences
Classification: Uncertain significance for SMPD1-related condition. Last evaluated: 2026-07-29. Review status: criteria provided, single submitter. Criteria: ACMG Guidelines, 2015. Collection method: clinical testing. Allele origin: germline.
Comment: The SMPD1 c.1763C>A variant is predicted to result in the amino acid substitution p.Thr588Lys. This variant has been reported in a cohort of individuals with ADHD (Henriquez-Henriquez et al 2020. PubMed ID: 32661301). This variant is reported in 0.0087% of alleles in individuals of Latino descent in gnomAD. At this time, the clinical significance of this variant is uncertain due to the absence of conclusive functional and genetic evidence.

Labcorp Genetics (formerly Invitae), Labcorp
Classification: Uncertain significance for Niemann-Pick disease, type B; Niemann-Pick disease, type A. Last evaluated: 2022-08-09. Review status: criteria provided, single submitter. Criteria: Invitae Variant Classification Sherloc (09022015). Collection method: clinical testing. Allele origin: germline.
Comment: This sequence change replaces threonine, which is neutral and polar, with lysine, which is basic and polar, at codon 588 of the SMPD1 protein (p.Thr588Lys). This variant is present in population databases (rs35785620, gnomAD 0.009%). This variant has not been reported in the literature in individuals affected with SMPD1-related conditions. Advanced modeling of protein sequence and biophysical properties (such as structural, functional, and spatial information, amino acid conservation, physicochemical variation, residue mobility, and thermodynamic stability) performed at Invitae indicates that this missense variant is not expected to disrupt SMPD1 protein function. In summary, the available evidence is currently insufficient to determine the role of this variant in disease. Therefore, it has been classified as a Variant of Uncertain Significance.